The following is an entry in ClinVar:

NM_005612.5(REST):c.1656A>C (p.Lys552Asn)

Gene: REST (RE1 silencing transcription factor; plus strand). Cytogenetic location: 4q12.
Variant type: single nucleotide variant.
Coding change: c.1656A>C on transcript NM_005612.5 (MANE Select); coding-DNA position 1656, A replaced by C.
Protein change: p.Lys552Asn; replaces lysine 552 with asparagine.
Molecular consequence: missense variant.
Genome position (GRCh38, 1-based): chr4:56,930,514, A>C. VCF-style: chr4-56930514-A-C. GRCh37 (hg19) VCF-style: chr4-57796680-A-C.
Other names: c.1656A>C, p.Lys552Asn (NM_001193508.2, NM_001363453.3); short protein forms K552N.
Identifiers: ClinVar variation 1062474 (VCV001062474.9), dbSNP rs374809419, ClinGen allele CA2932301.

ClinVar aggregate classification (germline): Uncertain significance (1 of 4 stars; one submission).

Allele frequency attached by ClinVar (database versions not stated): gnomAD exomes below 0.00001; ExAC 0.00001; gnomAD 0.00003; TOPMed 0.00006; ESP Exome Variant Server 0.00008.
gnomAD v4.1: 7 of 1,610,872 alleles (0.00043%); highest among the groups gnomAD compares: African/African-American, 0.0094%; no homozygotes.

Submission:

Labcorp Genetics (formerly Invitae), Labcorp
Classification: Uncertain significance. Last evaluated: 2020-08-16. Review status: criteria provided, single submitter. Criteria: Invitae Variant Classification Sherloc (09022015). Collection method: clinical testing. Allele origin: germline.
Comment: Algorithms developed to predict the effect of missense changes on protein structure and function (SIFT, PolyPhen-2, Align-GVGD) all suggest that this variant is likely to be disruptive, but these predictions have not been confirmed by published functional studies and their clinical significance is uncertain. This variant is present in population databases (rs374809419, ExAC 0.01%). This variant has not been reported in the literature in individuals with REST-related conditions. In summary, the available evidence is currently insufficient to determine the role of this variant in disease. Therefore, it has been classified as a Variant of Uncertain Significance. This sequence change replaces lysine with asparagine at codon 552 of the REST protein (p.Lys552Asn). The lysine residue is highly conserved and there is a moderate physicochemical difference between lysine and asparagine.